The following is an entry in ClinVar:

NM_000384.3(APOB):c.2179C>A (p.Pro727Thr)

Gene: APOB (apolipoprotein B; minus strand). Cytogenetic location: 2p24.1.
Variant type: single nucleotide variant.
Coding change: c.2179C>A on transcript NM_000384.3 (MANE Select); coding-DNA position 2179, C replaced by A.
Protein change: p.Pro727Thr; replaces proline 727 with threonine.
Molecular consequence: missense variant.
Genome position (GRCh38, 1-based): chr2:21,026,853, G>T on the plus strand (C>A on the coding strand, the complement: APOB is on the minus strand). VCF-style: chr2-21026853-G-T. GRCh37 (hg19) VCF-style: chr2-21249725-G-T.
Other names: short protein forms P727T.
Identifiers: ClinVar variation 3308000 (VCV003308000.1).

ClinVar aggregate classification (germline): Uncertain significance (1 of 4 stars; one submission).

Conditions:
Cardiovascular phenotype. Identifiers: MedGen CN230736.

Submission:

Ambry Genetics
Classification: Uncertain significance for Cardiovascular phenotype. Last evaluated: 2024-05-26. Review status: criteria provided, single submitter. Criteria: Ambry Variant Classification Scheme 2023. Collection method: clinical testing. Allele origin: germline.
Comment: The p.P727T variant (also known as c.2179C>A), located in coding exon 15 of the APOB gene, results from a C to A substitution at nucleotide position 2179. The proline at codon 727 is replaced by threonine, an amino acid with highly similar properties. This amino acid position is conserved. In addition, the in silico prediction for this alteration is inconclusive. Based on the available evidence, the clinical significance of this variant remains unclear.